The following is an entry in ClinVar:

ClinVar aggregate classification (germline): Uncertain significance (1 of 4 stars; one submission).

Conditions:
Multiple gastrointestinal atresias. Also called: FAMILIAL INTESTINAL POLYATRESIA SYNDROME; Multiple intestinal atresia. Identifiers: Orphanet 2300, MedGen C0220744, MONDO:0009465.

Allele frequency attached by ClinVar (database versions not stated): gnomAD 0.00001; TOPMed 0.00001; gnomAD exomes 0.00002 and 0.00005; ExAC 0.00006.
gnomAD v4.1: 34 of 1,614,086 alleles (0.0021%); highest among the groups gnomAD compares: East Asian, 0.0089%; no homozygotes.

Submission:

Labcorp Genetics (formerly Invitae), Labcorp
Classification: Uncertain significance for Multiple gastrointestinal atresias. Last evaluated: 2023-09-01. Review status: criteria provided, single submitter. Criteria: Invitae Variant Classification Sherloc (09022015). Collection method: clinical testing. Allele origin: germline.
Comment: Advanced modeling of protein sequence and biophysical properties (such as structural, functional, and spatial information, amino acid conservation, physicochemical variation, residue mobility, and thermodynamic stability) performed at Invitae indicates that this missense variant is not expected to disrupt TTC7A protein function. This sequence change replaces glycine, which is neutral and non-polar, with arginine, which is basic and polar, at codon 148 of the TTC7A protein (p.Gly148Arg). This variant is present in population databases (rs200447823, gnomAD 0.02%). This variant has not been reported in the literature in individuals affected with TTC7A-related conditions. ClinVar contains an entry for this variant (Variation ID: 1040386). In summary, the available evidence is currently insufficient to determine the role of this variant in disease. Therefore, it has been classified as a Variant of Uncertain Significance.

NM_020458.4(TTC7A):c.442G>A (p.Gly148Arg)

Gene: TTC7A (tetratricopeptide repeat domain 7A; plus strand). Cytogenetic location: 2p21.
Variant type: single nucleotide variant.
Coding change: c.442G>A on transcript NM_020458.4 (MANE Select); coding-DNA position 442, G replaced by A.
Protein change: p.Gly148Arg; replaces glycine 148 with arginine.
Molecular consequence: missense variant. On other transcripts: 5 prime UTR variant (1).
Genome position (GRCh38, 1-based): chr2:46,956,932, G>A. VCF-style: chr2-46956932-G-A. GRCh37 (hg19) VCF-style: chr2-47184071-G-A.
Other names: c.442G>A, p.Gly148Arg (NM_001288951.2); c.340G>A, p.Gly114Arg (NM_001288953.2); c.-463G>A (NM_001288955.2); short protein forms G114R, G148R.
Identifiers: ClinVar variation 1040386 (VCV001040386.7), dbSNP rs200447823, ClinGen allele CA1647161.